The following is an entry in ClinVar:

ClinVar aggregate classification (germline): Benign (1 of 4 stars; one submission).

Allele frequency attached by ClinVar (database versions not stated): 1000 Genomes Project 30x 0.77936; 1000 Genomes Project 0.78055; gnomAD 0.78833 and 0.78846; TOPMed 0.79175.
gnomAD v4.1: 119,386 of 151,468 alleles (79%); highest among the groups gnomAD compares: East Asian, 90%; 47,187 homozygotes.

Submission:

GeneDx
Classification: Benign. Last evaluated: 2018-06-18. Review status: criteria provided, single submitter. Criteria: GeneDx Variant Classification (06012015). Collection method: clinical testing. Allele origin: germline. Affected: yes.
Comment: This variant is considered likely benign or benign based on one or more of the following criteria: it is a conservative change, it occurs at a poorly conserved position in the protein, it is predicted to be benign by multiple in silico algorithms, and/or has population frequency not consistent with disease.

NM_001035.3(RYR2):c.2823-256T>C

Gene: RYR2 (ryanodine receptor 2; plus strand). Cytogenetic location: 1q43.
Variant type: single nucleotide variant.
Coding change: c.2823-256T>C on transcript NM_001035.3 (MANE Select); 256 bases into the intron before coding-DNA position 2823, T replaced by C.
Molecular consequence: intron variant.
Genome position (GRCh38, 1-based): chr1:237,530,171, T>C. VCF-style: chr1-237530171-T-C. GRCh37 (hg19) VCF-style: chr1-237693471-T-C.
Identifiers: ClinVar variation 671748 (VCV000671748.1), dbSNP rs2805447, ClinGen allele CA10861580.
Genomic context (GRCh38, chr1:237,530,171, plus strand): 5'-ACCATCCTGGCTAACACGGTGAAACCCCGTCTCTACTAAAAATACAAAAAATTAGCCGGG[T>C]GTGGTGGCGGGCACCTGTAGTCCTGGCTACTTGGGAGGTTGAGGCAGGAGAATGGCGTGA-3'